The following continues an entry in ClinVar:

NM_024301.5(FKRP):c.826C>A (p.Leu276Ile)

Gene: FKRP. ClinVar aggregate classification (germline): Pathogenic/Likely pathogenic. Pathogenic (52); Likely pathogenic (5).

Submissions 8 to 20 of 64:

PreventionGenetics, part of Exact Sciences
Classification: Pathogenic for FKRP-related condition. Last evaluated: 2026-01-20. Review status: criteria provided, single submitter. Criteria: ACMG Guidelines, 2015. Collection method: clinical testing. Allele origin: germline.
Comment: The FKRP c.826C>A variant is predicted to result in the amino acid substitution p.Leu276Ile. This variant has been reported in the homozygous or compound heterozygous state in many individuals with autosomal recessive limb girdle muscular dystrophy and is one of the most common pathogenic variants in FKRP (Brockington et al. 2001. PubMed ID: 11741828; Walter et al. 2004. PubMed ID: 15060126; Frosk et al. 2005. PubMed ID: 15580560; Boito et al. 2005. PubMed ID: 16344347). A mouse model with the p.Leu276Ile variant recapitulates the mild limb girdle muscular dystrophy phenotype (Blaeser et al. 2013. PubMed ID: 23591631; Krag. 2015. PubMed ID: 26574668) and functional studies indicate this variant impacts protein function (Frosk et al. 2005. PubMed ID: 15580560; Henriques. 2019. PubMed ID: 31268217). This variant is reported in 0.23% of alleles in individuals of European (non-Finnish) descent in gnomAD. This variant is interpreted as pathogenic.

Mayo Clinic Laboratories, Mayo Clinic
Classification: Pathogenic. Last evaluated: 2025-11-21. Review status: criteria provided, single submitter. Criteria: ACMG Guidelines, 2015. Collection method: clinical testing. Allele origin: germline. Observed: 17 variant alleles.
Comment: PP1, PM2_supporting, PM3, PS3, PS4_moderate

Natera, Inc.
Classification: Pathogenic for Limb-girdle muscular dystrophy type 2I. Last evaluated: 2025-11-04. Review status: criteria provided, single submitter. Criteria: Natera Variant Classification Schema (03/2026). Collection method: clinical testing. Allele origin: germline.
Comment: The c.826C>A variant in FKRP is a missense variant predicted to cause substitution of leucine to isoleucine at amino acid 276. This variant is rare in the general population with a frequency below the threshold expected for the associated phenotype(s). This variant has been observed in one or more individuals affected with the associated recessive disease, as either homozygous or compound heterozygous with a second variant (PMID: 16634037). Given the available evidence, this variant is classified as Pathogenic.

Otogenetics
Classification: Pathogenic for Muscular dystrophy-dystroglycanopathy type B5; Autosomal recessive limb-girdle muscular dystrophy type 2I; Muscular dystrophy-dystroglycanopathy (congenital with brain and eye anomalies), type A5. Last evaluated: 2025-10-20. Review status: criteria provided, single submitter. Criteria: ACMG Guidelines, 2015. Collection method: clinical testing. Allele origin: germline.
Comment: PM2: Maximum gnomAD MAF of 0.229% in European-Non Finnish (NFE) subpopulation (<0.233% threshold); PM3_VeryStrong: Variant reported in homozygous state more than ten affected individuals and in trans with eight other pathogenic variants in eight individuals affected with limb girdle muscular dystrophy (PMID: 11741828, 15580560); PP3: In-silico models predict deleterious effect (Revel = 0.7, BayesDel = 0.17)

Daryl Scott Lab, Baylor College of Medicine
Classification: Likely pathogenic for FKRP-related disorder. Last evaluated: 2025-08-25. Review status: criteria provided, single submitter. Criteria: ACMG Guidelines, 2015. Collection method: clinical testing. Allele origin: maternal. Affected: yes. Observed: 1 heterozygote.
Comment: PS3, PS4

Ambry Genetics
Classification: Pathogenic for Cardiovascular phenotype. Last evaluated: 2025-07-07. Review status: criteria provided, single submitter. Criteria: Ambry Variant Classification Scheme 2023. Collection method: clinical testing. Allele origin: germline.
Comment: The c.826C>A (p.L276I) alteration is located in exon 4 (coding exon 1) of the FKRP gene. This alteration results from a C to A substitution at nucleotide position 826, causing the leucine (L) at amino acid position 276 to be replaced by an isoleucine (I). Based on data from gnomAD, the A allele has an overall frequency of 0.11% (168/152176) total alleles studied. The highest observed frequency was 0.229% (139/60758) of European (non-Finnish) alleles. This alteration has been reported in the homozygous and compound heterozygous states in numerous patients with limb girdle muscular dystrophy (LGMD) and is the most common pathogenic variant detected in the FKRP gene (Brockington, 2001; Boito, 2005; Sveen, 2006; Alhamidi, 2017). This alteration has been shown to be a founder mutation in the Hutterite and German populations (Walter, 2004; Frosk, 2005). This amino acid position is well conserved in available vertebrate species. Functional studies indicate that this variant results in reduced FKRP secretion, and mice homozygous for this alteration develop progressive myopathy in skeletal and cardiac muscle (Lu, 2010; Qiao, 2014; Krag, 2015). This alteration is predicted to be deleterious by in silico analysis. Based on the available evidence, this alteration is classified as pathogenic.

First Genomix Gene Laboratory, Genetic Diagnostics Department
Classification: Pathogenic for Muscular dystrophy-dystroglycanopathy (congenital with brain and eye anomalies), type A5; Muscular dystrophy-dystroglycanopathy type B5; Autosomal recessive limb-girdle muscular dystrophy type 2I. Last evaluated: 2025-04-30. Review status: criteria provided, single submitter. Criteria: ACMG Guidelines, 2015. Collection method: clinical testing. Allele origin: germline. Inheritance: Autosomal recessive inheritance. Affected: no. Observed: 1 variant allele.

Variantyx, Inc.
Classification: Pathogenic for Autosomal recessive limb-girdle muscular dystrophy type 2I. Last evaluated: 2025-03-19. Review status: criteria provided, single submitter. Criteria: Variantyx Assertion Criteria 2022. Collection method: clinical testing. Allele origin: maternal. Inheritance: Autosomal recessive inheritance.
Comment: This is a nonsynonymous variant in the FKRP gene (OMIM: 606596). Pathogenic variants in this gene have been associated with autosomal recessive limb girdle muscular dystrophy dystroglycanopathy type C5. This variant has been identified in the homozygous or compound heterozygous state in at least 17 individual(s) from the published literature (PMID: 15580560, 15886712, 18639457, 23576288, 35557983) (PM3). Functional studies have shown that this variant alters FKRP protein function (PMID: 11741828, 15580560, 23591631, 34653404) (PS3 and multiple computational algorithms predict a deleterious effect for this variant (REVEL score: 0.7) (PP3). This variant has a 0.2483% maximum allele frequency in non-founder control populations. Based on the current evidence, this variant is classified as pathogenic for autosomal recessive limb girdle muscular dystrophy dystroglycanopathy type C5.

Laboratory of Genetics, Children's Clinical University Hospital Latvia
Classification: Pathogenic. Last evaluated: 2025-02-16. Review status: criteria provided, single submitter. Criteria: ACMG Guidelines, 2015. Collection method: clinical testing. Allele origin: germline. Affected: yes.

Revvity Omics, Revvity
Classification: Pathogenic. Last evaluated: 2025-01-30. Review status: criteria provided, single submitter. Criteria: ACMG Guidelines, 2015. Collection method: clinical testing. Allele origin: germline.

3billion
Classification: Likely pathogenic for Muscular dystrophy-dystroglycanopathy type B5. Last evaluated: 2025-01-10. Review status: criteria provided, single submitter. Criteria: ACMG Guidelines, 2015. Collection method: clinical testing. Allele origin: germline. Affected: yes.
Comment: The variant is observed at an extremely low frequency in the gnomAD v4.1.0 dataset (total allele frequency: 0.197%). Predicted Consequence/Location: Missense variant In silico tool predictions suggest damaging effect of the variant on gene or gene product [REVEL: 0.70 (>=0.6, sensitivity 0.68 and specificity 0.92)]. The same nucleotide change resulting in the same amino acid change has been previously reported as pathogenic/likely pathogenic with strong evidence (ClinVar ID: VCV000004221 /PMID: 11741828). Therefore, this variant is classified as Likely pathogenic according to the recommendation of ACMG/AMP guideline.

Athena Diagnostics
Classification: Pathogenic. Last evaluated: 2024-12-31. Review status: criteria provided, single submitter. Criteria: Athena Diagnostics Criteria. Collection method: clinical testing. Allele origin: unknown.
Comment: This variant is the most common pathogenic variant in northern Europe and populations of northern European descent, (PMID: 15060126, 20961759), and therefore, the observed frequency of this variant in the general population is consistent with pathogenicity (Genome Aggregation Database (gnomAD), Cambridge, MA (URL)). This variant segregates with disease in multiple families. Assessment of experimental evidence suggests this variant results in abnormal protein function. (PMID: 19900540) In multiple individuals, this variant has been seen with a single recessive pathogenic variant in the same gene, suggesting this variant may also be pathogenic.

Blueprint Genetics
Classification: Pathogenic for FKRP-related disorders. Last evaluated: 2024-11-22. Review status: criteria provided, single submitter. Criteria: ACMG Guidelines, 2015. Collection method: clinical testing. Allele origin: germline. Affected: yes. Observed: 5 variant alleles.